The following is an entry in ClinVar:

ClinVar aggregate classification (germline): Pathogenic/Likely pathogenic. Review status: criteria provided, multiple submitters, no conflicts (2 of 4 stars). 5 submissions from 5 submitters: Pathogenic (2); Likely pathogenic (3). Last evaluated 2025-11-27.

Conditions:
Hereditary cancer-predisposing syndrome. Also called: Neoplastic Syndromes, Hereditary; Tumor predisposition; Hereditary neoplastic syndrome; Hereditary Cancer Syndrome. Identifiers: Orphanet 140162, MedGen C0027672, MeSH D009386, MONDO:0015356.
Hereditary leiomyomatosis and renal cell cancer. Also called: LEIOMYOMA, MULTIPLE CUTANEOUS; Familial leiomyomatosis; FH tumor predisposition syndrome; Reed syndrome; Multiple cutaneous and uterine leiomyomatosis; Cutaneous leiomyomata with uterine leiomyomata. Identifiers: Orphanet 523, MedGen C1708350, MONDO:0007888, OMIM 150800, HP:0007437. Disease mechanism: loss of function.
Fumarase deficiency (FMRD). Also called: Fumarate Hydratase Deficiency; Fumaric aciduria. Identifiers: Orphanet 24, MedGen C0342770, MONDO:0011730, OMIM 606812.

Allele frequency attached by ClinVar (database versions not stated): gnomAD exomes below 0.00001.
gnomAD v4.1: 1 of 1,613,032 alleles (0.000062%); no homozygotes.

Submissions (6):

Labcorp Genetics (formerly Invitae), Labcorp
Classification: Pathogenic. Last evaluated: 2025-11-27. Review status: criteria provided, single submitter. Criteria: Invitae Variant Classification Sherloc (09022015). Collection method: clinical testing. Allele origin: germline.
Comment: This sequence change replaces serine, which is neutral and polar, with asparagine, which is neutral and polar, at codon 186 of the FH protein (p.Ser186Asn). This variant is present in population databases (rs587782618, gnomAD 0.01%). This missense change has been observed in individual(s) with clinical features of hereditary leiomyomatosis and renal cell cancer (PMID: 31444830, 35163394; external communication). It has also been observed to segregate with disease in related individuals. ClinVar contains an entry for this variant (Variation ID: 142654). An algorithm developed to predict the effect of missense changes on protein structure and function (PolyPhen-2) suggests that this variant is likely to be disruptive. Experimental studies have shown that this missense change affects FH function (PMID: 35163394). For these reasons, this variant has been classified as Pathogenic.

Ambry Genetics
Classification: Pathogenic for Hereditary cancer-predisposing syndrome. Last evaluated: 2025-09-22. Review status: criteria provided, single submitter. Criteria: Ambry Variant Classification Scheme 2023. Collection method: clinical testing. Allele origin: germline.
Comment: The p.S186N pathogenic mutation (also known as c.557G>A), located in coding exon 5 of the FH gene, results from a G to A substitution at nucleotide position 557. The serine at codon 186 is replaced by asparagine, an amino acid with highly similar properties. This variant was reported in individuals with features consistent with FH-related tumor predisposition (Ambry internal data; external communication; Li P et al. Int J Mol Sci. 2022 Jan;23(3)). In an assay testing FH function, this variant showed a functionally abnormal result (Li P et al. Int J Mol Sci. 2022 Jan;23(3)). This amino acid position is highly conserved in available vertebrate species. In addition, this alteration is predicted to be deleterious by in silico analysis. Based on the supporting evidence, this variant is interpreted as a disease-causing mutation.

Myriad Genetics, Inc.
Classification: Likely pathogenic for Hereditary leiomyomatosis and renal cell cancer. Last evaluated: 2025-04-10. Review status: criteria provided, single submitter. Criteria: Myriad Autosomal Dominant, Autosomal Recessive and X-Linked Classification Criteria (2023). Collection method: clinical testing. Allele origin: unknown.
Comment: This variant is considered likely pathogenic. Functional studies indicate this variant impacts protein function [PMID: 35163394]. This variant is expected to disrupt protein structure [Myriad internal data]. This variant has been reported in multiple individuals with clinical features of gene-specific disease [PMID: 31444830, 35163394, external communication 2025].

Baylor Genetics
Classification: Likely pathogenic for Fumarase deficiency. Last evaluated: 2023-11-04. Review status: criteria provided, single submitter. Criteria: ACMG Guidelines, 2015. Collection method: clinical testing. Allele origin: unknown.

Juno Genomics, Hangzhou Juno Genomics, Inc
Classification: Likely pathogenic for Hereditary leiomyomatosis and renal cell cancer. Review status: criteria provided, single submitter. Criteria: ACMG Guidelines, 2015. Collection method: clinical testing. Allele origin: germline.
Comment: Absent from controls (or at extremely low frequency if recessive) in Genome Aggregation Database.;The prevalence of the variant in affected individuals is significantly increased compared to the prevalence in controls.;Well-established in vitro or in vivo functional studies supportive of a damaging effect on the gene or gene product.

Institutes of Biomedical Sciences, Shanxi University
No classification provided (evidence only). Condition: Hereditary leiomyomatosis and renal cell cancer. Last evaluated: 2019-06-13. Review status: no classification provided. Collection method: case-control. Allele origin: not applicable. Inheritance: Autosomal dominant inheritance. Functional consequence: Decreased function. Not counted in ClinVar's aggregate classification.
Comment: The Ser186Asn variant has not been reported in the literature so far. Additionally, our in vitro functional studies indicate that the Ser186Asn reduced the enzyme activity and disrupts normal function. In summary, the Ser186Asn variant meets our criteria to be classified as pathogenic based upon segregation studies, absence from controls, and functional evidence.

"Pathogenic" was previously submitted as the classification for the variant. However, the classification appeared to be based only on an observation of functional data so it was converted to no classification on 2025-07-30.

Literature cited by the submitters: PubMed 31444830 (cited by 3 submitters); PubMed 35163394 (cited by 3 submitters).

NM_000143.4(FH):c.557G>A (p.Ser186Asn)

Gene: FH (fumarate hydratase; minus strand). Cytogenetic location: 1q43.
Variant type: single nucleotide variant.
Coding change: c.557G>A on transcript NM_000143.4 (MANE Select); coding-DNA position 557, G replaced by A.
Protein change: p.Ser186Asn; replaces serine 186 with asparagine.
Molecular consequence: missense variant.
Genome position (GRCh38, 1-based): chr1:241,508,784, C>T on the plus strand (G>A on the coding strand, the complement: FH is on the minus strand). VCF-style: chr1-241508784-C-T. GRCh37 (hg19) VCF-style: chr1-241672084-C-T.
Other names: short protein forms S186N.
Identifiers: ClinVar variation 142654 (VCV000142654.23), dbSNP rs587782618, ClinGen allele CA169030.